The following is an entry in ClinVar:

ClinVar aggregate classification (germline): Uncertain significance. Review status: criteria provided, multiple submitters, no conflicts (2 of 4 stars). 2 submissions from 2 submitters: Uncertain significance (2). Last evaluated 2024-09-08.

Conditions:
Inborn genetic diseases. Identifiers: MedGen C0950123, MeSH D030342.

Allele frequency attached by ClinVar (database versions not stated): gnomAD 0.00003; gnomAD exomes 0.00005; ExAC 0.00002; TOPMed 0.00002.
gnomAD v4.1: 74 of 1,613,976 alleles (0.0046%); highest among the groups gnomAD compares: Middle Eastern, 0.016%; no homozygotes.

Submissions (2):

Ambry Genetics
Classification: Uncertain significance for Inborn genetic diseases. Last evaluated: 2024-09-08. Review status: criteria provided, single submitter. Criteria: Ambry Variant Classification Scheme 2023. Collection method: clinical testing. Allele origin: germline.

Labcorp Genetics (formerly Invitae), Labcorp
Classification: Uncertain significance. Last evaluated: 2022-08-12. Review status: criteria provided, single submitter. Criteria: Invitae Variant Classification Sherloc (09022015). Collection method: clinical testing. Allele origin: germline.
Comment: This sequence change replaces leucine, which is neutral and non-polar, with proline, which is neutral and non-polar, at codon 545 of the CAST protein (p.Leu545Pro). This variant is present in population databases (rs778411113, gnomAD 0.004%). This variant has not been reported in the literature in individuals affected with CAST-related conditions. Algorithms developed to predict the effect of missense changes on protein structure and function are either unavailable or do not agree on the potential impact of this missense change (SIFT: "Not Available"; PolyPhen-2: "Probably Damaging"; Align-GVGD: "Not Available"). In summary, the available evidence is currently insufficient to determine the role of this variant in disease. Therefore, it has been classified as a Variant of Uncertain Significance.

NM_001750.7(CAST):c.1757T>C (p.Leu586Pro)

Gene: CAST (calpastatin; plus strand). Cytogenetic location: 5q15.
Variant type: single nucleotide variant.
Coding change: c.1757T>C on transcript NM_001750.7 (MANE Select); coding-DNA position 1757, T replaced by C.
Protein change: p.Leu586Pro; replaces leucine 586 with proline.
Molecular consequence: missense variant. On other transcripts: non-coding transcript variant (1).
Genome position (GRCh38, 1-based): chr5:96,757,490, T>C. VCF-style: chr5-96757490-T-C. GRCh37 (hg19) VCF-style: chr5-96093194-T-C.
Other names: c.1634T>C, p.Leu545Pro (NM_001042440.5, NM_001330627.2); c.1700T>C, p.Leu567Pro (NM_001042441.3); c.1691T>C, p.Leu564Pro (NM_001042442.3, NM_001329966.1); c.1508T>C, p.Leu503Pro (NM_001042443.3); c.1385T>C, p.Leu462Pro (NM_001042444.3, NM_001284212.4); c.1403T>C, p.Leu468Pro (NM_001042445.3); c.1346T>C, p.Leu449Pro (NM_001042446.3, NM_001330630.2); c.1469T>C, p.Leu490Pro (NM_001190442.2, NM_001330631.2); and 9 more; short protein forms L449P, L471P, L567P, L503P, L530P, L558P, L586P, L462P.
Identifiers: ClinVar variation 2067067 (VCV002067067.5), dbSNP rs778411113, ClinGen allele CA3351442.